The following is an entry in ClinVar:

ClinVar aggregate classification (germline): Uncertain significance (1 of 4 stars; one submission).

Allele frequency attached by ClinVar (database versions not stated): gnomAD exomes below 0.00001; TOPMed below 0.00001.
gnomAD v4.1: 2 of 1,513,890 alleles (0.00013%); highest among the groups gnomAD compares: Admixed American, 0.0021%; no homozygotes.

Submission:

Labcorp Genetics (formerly Invitae), Labcorp
Classification: Uncertain significance. Last evaluated: 2021-08-13. Review status: criteria provided, single submitter. Criteria: Invitae Variant Classification Sherloc (09022015). Collection method: clinical testing. Allele origin: germline.
Comment: This sequence change replaces cysteine with tyrosine at codon 574 of the MMP14 protein (p.Cys574Tyr). The cysteine residue is highly conserved and there is a large physicochemical difference between cysteine and tyrosine. The frequency data for this variant in the population databases is considered unreliable, as metrics indicate insufficient coverage at this position in the ExAC database. This variant has not been reported in the literature in individuals with MMP14-related conditions. Algorithms developed to predict the effect of missense changes on protein structure and function are either unavailable or do not agree on the potential impact of this missense change (SIFT: "Tolerated"; PolyPhen-2: "Possibly Damaging"; Align-GVGD: "Class C0"). In summary, the available evidence is currently insufficient to determine the role of this variant in disease. Therefore, it has been classified as a Variant of Uncertain Significance.

NM_004995.4(MMP14):c.1721G>A (p.Cys574Tyr)

Gene: MMP14 (matrix metallopeptidase 14; plus strand). Cytogenetic location: 14q11.2.
Variant type: single nucleotide variant.
Coding change: c.1721G>A on transcript NM_004995.4 (MANE Select); coding-DNA position 1721, G replaced by A.
Protein change: p.Cys574Tyr; replaces cysteine 574 with tyrosine.
Molecular consequence: missense variant.
Genome position (GRCh38, 1-based): chr14:22,846,011, G>A. VCF-style: chr14-22846011-G-A. GRCh37 (hg19) VCF-style: chr14-23315220-G-A.
Other names: short protein forms C574Y.
Identifiers: ClinVar variation 1400014 (VCV001400014.8), dbSNP rs2039810956, ClinGen allele CA388935546.